The following is an entry in ClinVar:

NM_005911.6(MAT2A):c.-35C>T

Gene: MAT2A (methionine adenosyltransferase 2A; plus strand). Cytogenetic location: 2p11.2.
Variant type: single nucleotide variant.
Coding change: c.-35C>T on transcript NM_005911.6 (MANE Select); 35 bases upstream of the start codon, C replaced by T.
Molecular consequence: 5 prime UTR variant.
Genome position (GRCh38, 1-based): chr2:85,539,253, C>T. VCF-style: chr2-85539253-C-T. GRCh37 (hg19) VCF-style: chr2-85766376-C-T.
Identifiers: ClinVar variation 514047 (VCV000514047.1), dbSNP rs780678816, ClinGen allele CA1741247.

ClinVar aggregate classification (germline): Likely benign (1 of 4 stars; one submission).

Allele frequency attached by ClinVar (database versions not stated): TOPMed 0.00003.
gnomAD v4.1: 43 of 1,518,688 alleles (0.0028%); highest among the groups gnomAD compares: Non-Finnish European, 0.0032%; 1 homozygote.

Submission:

GeneDx
Classification: Likely benign. Last evaluated: 2017-12-11. Review status: criteria provided, single submitter. Criteria: GeneDx Variant Classification (06012015). Collection method: clinical testing. Allele origin: germline. Affected: yes.
Comment: This variant is considered likely benign or benign based on one or more of the following criteria: it is a conservative change, it occurs at a poorly conserved position in the protein, it is predicted to be benign by multiple in silico algorithms, and/or has population frequency not consistent with disease.